The following is an entry in ClinVar:

ClinVar aggregate classification (germline): Pathogenic/Likely pathogenic. Review status: criteria provided, multiple submitters, no conflicts (2 of 4 stars). 4 submissions from 4 submitters: Pathogenic (1); Likely pathogenic (3). Last evaluated 2025-05-21.

Conditions:
Hereditary cancer-predisposing syndrome. Also called: Hereditary Cancer Syndrome; Tumor predisposition; Hereditary neoplastic syndrome; Neoplastic Syndromes, Hereditary. Identifiers: Orphanet 140162, MedGen C0027672, MeSH D009386, MONDO:0015356.
BAP1-related tumor predisposition syndrome (TPDS1). Also called: COMMON Syndrome; Tumor susceptibility linked to germline BAP1 mutations; BAP1 tumor predisposition syndrome; TUMOR PREDISPOSITION SYNDROME 1. Identifiers: Orphanet 289539, MedGen C3280492, MONDO:0013692, OMIM 614327.

Submissions (4):

Molecular Pathology, Peter Maccallum Cancer Centre
Classification: Likely pathogenic for BAP1-related tumor predisposition syndrome. Last evaluated: 2025-05-21. Review status: criteria provided, single submitter. Criteria: ACMG Guidelines, 2015. Collection method: clinical testing. Allele origin: germline. Inheritance: Autosomal dominant inheritance.

Ambry Genetics
Classification: Pathogenic for Hereditary cancer-predisposing syndrome. Last evaluated: 2025-03-25. Review status: criteria provided, single submitter. Criteria: Ambry Variant Classification Scheme 2023. Collection method: clinical testing. Allele origin: germline.
Comment: The c.37+1G>T pathogenic mutation results from a G to T substitution one nucleotide after coding exon 1 of the BAP1 gene. Alterations that disrupt the canonical splice site are expected to cause aberrant splicing, resulting in an abnormal protein or a transcript that is subject to nonsense-mediated mRNA decay. This alteration has been observed in at least one individual with a personal and/or family history that is consistent with BAP1-related disease (Ambry internal data). This alteration was non-functional in a high throughput genome editing haploid cell survival functional assay (Waters AJ et al. Nat Genet, 2024 Jul;56:1434-1445). This variant is considered to be rare based on population cohorts in the Genome Aggregation Database (gnomAD). This nucleotide position is highly conserved in available vertebrate species. In silico splice site analysis predicts that this alteration will weaken the native splice donor site. RNA studies have demonstrated that this alteration results in abnormal splicing in the set of samples tested (Ambry internal data). Based on the supporting evidence, this variant is interpreted as a disease-causing mutation.

Labcorp Genetics (formerly Invitae), Labcorp
Classification: Likely pathogenic for BAP1-related tumor predisposition syndrome. Last evaluated: 2024-05-06. Review status: criteria provided, single submitter. Criteria: Invitae Variant Classification Sherloc (09022015). Collection method: clinical testing. Allele origin: germline.
Comment: This sequence change affects a donor splice site in intron 1 of the BAP1 gene. RNA analysis indicates that disruption of this splice site induces altered splicing and may result in an absent or disrupted protein product. This variant is not present in population databases (gnomAD no frequency). Disruption of this splice site has been observed in individual(s) with BAP1-related cancers (Invitae). ClinVar contains an entry for this variant (Variation ID: 624026). Studies have shown that disruption of this splice site results in intron inclusion and activation of a cryptic splice site and introduces a premature termination codon (Invitae). The resulting mRNA is expected to undergo nonsense-mediated decay. In summary, the currently available evidence indicates that the variant is pathogenic, but additional data are needed to prove that conclusively. Therefore, this variant has been classified as Likely Pathogenic.

CeGaT Center for Human Genetics Tuebingen
Classification: Likely pathogenic. Last evaluated: 2018-06-01. Review status: criteria provided, single submitter. Criteria: CeGaT Center For Human Genetics Tuebingen Variant Classification Criteria Version 2. Collection method: clinical testing. Allele origin: germline. Affected: yes. Observed: 1 variant allele.

Literature cited by the submitters: PubMed 38969833 (cited by Ambry Genetics).

NM_004656.4(BAP1):c.37+1G>T

Gene: BAP1 (BRCA1 associated deubiquitinase 1; minus strand). Cytogenetic location: 3p21.1.
Variant type: single nucleotide variant.
Coding change: c.37+1G>T on transcript NM_004656.4 (MANE Select); the canonical splice donor site of the intron after coding-DNA position 37, G replaced by T.
Molecular consequence: splice donor variant.
Genome position (GRCh38, 1-based): chr3:52,409,841, C>A on the plus strand (G>T on the coding strand, the complement: BAP1 is on the minus strand). VCF-style: chr3-52409841-C-A. GRCh37 (hg19) VCF-style: chr3-52443857-C-A.
Other names: c.37+1G>T (NM_001410772.1, NM_004656.2).
Identifiers: ClinVar variation 624026 (VCV000624026.49), dbSNP rs1559593339, ClinGen allele CA353115035.